The following is an entry in ClinVar:

ClinVar aggregate classification (germline): Conflicting classifications of pathogenicity. Review status: criteria provided, conflicting classifications (1 of 4 stars). 2 submissions from 2 submitters: Uncertain significance (1); Likely benign (1). Last evaluated 2025-04-17.

Conditions:
Noonan syndrome 9 (NS9). Identifiers: Orphanet 648, MedGen C4225282, MONDO:0014691, OMIM 616559.

Allele frequency attached by ClinVar (database versions not stated): gnomAD exomes below 0.00001; gnomAD 0.00001; TOPMed 0.00001.

Submissions (2):

Labcorp Genetics (formerly Invitae), Labcorp
Classification: Likely benign for Noonan syndrome 9. Last evaluated: 2025-04-17. Review status: criteria provided, single submitter. Criteria: Invitae Variant Classification Sherloc (09022015). Collection method: clinical testing. Allele origin: germline.

GeneDx
Classification: Uncertain significance. Last evaluated: 2024-04-22. Review status: criteria provided, single submitter. Criteria: GeneDx Variant Classification Process June 2021. Collection method: clinical testing. Allele origin: germline. Affected: yes.
Comment: Observed in a fetus with ventricular septal defect and thickened nuchal fold; however, familial segregation information was not provided (PMID: 34983622); In silico analysis supports that this missense variant has a deleterious effect on protein structure/function; This variant is associated with the following publications: (PMID: 34983622)

NM_006939.4(SOS2):c.3812C>T (p.Pro1271Leu)

Gene: SOS2 (SOS Ras/Rho guanine nucleotide exchange factor 2; minus strand). Cytogenetic location: 14q21.3.
Variant type: single nucleotide variant.
Coding change: c.3812C>T on transcript NM_006939.4 (MANE Select); coding-DNA position 3812, C replaced by T.
Protein change: p.Pro1271Leu; replaces proline 1271 with leucine.
Molecular consequence: missense variant.
Genome position (GRCh38, 1-based): chr14:50,118,531, G>A on the plus strand (C>T on the coding strand, the complement: SOS2 is on the minus strand). VCF-style: chr14-50118531-G-A. GRCh37 (hg19) VCF-style: chr14-50585249-G-A.
Other names: c.3713C>T, p.Pro1238Leu (NM_001411020.1); c.3812C>T (NM_006939.2); short protein forms P1238L, P1271L.
Identifiers: ClinVar variation 2163879 (VCV002163879.5), dbSNP rs1286260102, ClinGen allele CA389637610.